The following is an entry in ClinVar:

ClinVar aggregate classification (germline): Uncertain significance (1 of 4 stars; one submission).

Submission:

GeneDx
Classification: Uncertain significance. Last evaluated: 2022-12-12. Review status: criteria provided, single submitter. Criteria: GeneDx Variant Classification Process June 2021. Collection method: clinical testing. Allele origin: germline. Affected: yes.
Comment: Not observed at significant frequency in large population cohorts (gnomAD); In silico analysis supports that this missense variant has a deleterious effect on protein structure/function; Has not been previously published as pathogenic or benign to our knowledge

NM_170606.3(KMT2C):c.9845C>T (p.Pro3282Leu)

Gene: KMT2C (lysine methyltransferase 2C; minus strand). Cytogenetic location: 7q36.1.
Variant type: single nucleotide variant.
Coding change: c.9845C>T on transcript NM_170606.3 (MANE Select); coding-DNA position 9845, C replaced by T.
Protein change: p.Pro3282Leu; replaces proline 3282 with leucine.
Molecular consequence: missense variant.
Genome position (GRCh38, 1-based): chr7:152,163,732, G>A on the plus strand (C>T on the coding strand, the complement: KMT2C is on the minus strand). VCF-style: chr7-152163732-G-A. GRCh37 (hg19) VCF-style: chr7-151860817-G-A.
Other names: short protein forms P3282L.
Identifiers: ClinVar variation 2504692 (VCV002504692.1), dbSNP rs2487693312, ClinGen allele CA370105792.